The following is an entry in ClinVar:

ClinVar aggregate classification (germline): Conflicting classifications of pathogenicity. Review status: criteria provided, conflicting classifications (1 of 4 stars). 2 submissions from 2 submitters: Uncertain significance (1); Likely benign (1). Last evaluated 2025-05-18.

Conditions:
Joubert syndrome 25 (JBTS25). Identifiers: Orphanet 475, MedGen C4084842, MONDO:0014770, OMIM 616781.
Intellectual developmental disorder, autosomal recessive 77 (MRT77). Identifiers: MedGen C5774193, MONDO:0031031, OMIM 619988.
Inborn genetic diseases. Identifiers: MedGen C0950123, MeSH D030342.

Allele frequency attached by ClinVar (database versions not stated): TOPMed 0.00001.
gnomAD v4.1: 29 of 1,613,480 alleles (0.0018%); highest among the groups gnomAD compares: East Asian, 0.016%; no homozygotes.

Submissions (2):

Ambry Genetics
Classification: Uncertain significance for Inborn genetic diseases. Last evaluated: 2025-05-18. Review status: criteria provided, single submitter. Criteria: Ambry Variant Classification Scheme 2023. Collection method: clinical testing. Allele origin: germline.

3billion
Classification: Likely benign for Intellectual developmental disorder, autosomal recessive 77; Joubert syndrome 25. Last evaluated: 2024-09-20. Review status: criteria provided, single submitter. Criteria: ACMG Guidelines, 2015. Collection method: clinical testing. Allele origin: germline. Affected: no.
Comment: The homozygous variant was found in patients diagnosed with another variant in a different gene, with no symptoms related to the gene containing the homozygous variant.

NM_014704.4(CEP104):c.1144C>G (p.Arg382Gly)

Gene: CEP104 (centrosomal protein 104; minus strand). Cytogenetic location: 1p36.32.
Variant type: single nucleotide variant.
Coding change: c.1144C>G on transcript NM_014704.4 (MANE Select); coding-DNA position 1144, C replaced by G.
Protein change: p.Arg382Gly; replaces arginine 382 with glycine.
Molecular consequence: missense variant.
Genome position (GRCh38, 1-based): chr1:3,836,668, G>C on the plus strand (C>G on the coding strand, the complement: CEP104 is on the minus strand). VCF-style: chr1-3836668-G-C. GRCh37 (hg19) VCF-style: chr1-3753232-G-C.
Other names: short protein forms R382G.
Identifiers: ClinVar variation 2464720 (VCV002464720.4), dbSNP rs374824835, ClinGen allele CA17084804.